The following is an entry in ClinVar:

ClinVar aggregate classification (germline): Uncertain significance. Review status: criteria provided, multiple submitters, no conflicts (2 of 4 stars). 4 submissions from 4 submitters: Uncertain significance (4). Last evaluated 2025-09-21.

Conditions:
Hyperuricemia, pulmonary hypertension, renal failure, alkalosis syndrome (HUPRAS). Also called: HYPERURICEMIA, PULMONARY HYPERTENSION, RENAL FAILURE, AND ALKALOSIS SYNDROME; HUPRA SYNDROME. Identifiers: Orphanet 363694, MedGen C3151209, MONDO:0013458, OMIM 613845.

Submissions (4):

Mayo Clinic Laboratories, Mayo Clinic
Classification: Uncertain significance. Last evaluated: 2025-09-21. Review status: criteria provided, single submitter. Criteria: ACMG Guidelines, 2015. Collection method: clinical testing. Allele origin: germline. Observed: 1 variant allele.
Comment: BP4

Ambry Genetics
Classification: Uncertain significance. Last evaluated: 2025-01-07. Review status: criteria provided, single submitter. Criteria: Ambry Variant Classification Scheme 2023. Collection method: clinical testing. Allele origin: germline.

Fulgent Genetics
Classification: Uncertain significance for Hyperuricemia, pulmonary hypertension, renal failure, alkalosis syndrome. Last evaluated: 2024-01-06. Review status: criteria provided, single submitter. Criteria: ACMG Guidelines, 2015. Collection method: clinical testing. Allele origin: germline.

GeneDx
Classification: Uncertain significance. Last evaluated: 2023-12-27. Review status: criteria provided, single submitter. Criteria: GeneDx Variant Classification Process June 2021. Collection method: clinical testing. Allele origin: germline. Affected: yes.
Comment: In silico analysis supports that this missense variant does not alter protein structure/function; Has not been previously published as pathogenic or benign to our knowledge

NM_017827.4(SARS2):c.937G>A (p.Val313Met)

Gene: SARS2 (seryl-tRNA synthetase 2, mitochondrial; minus strand). Cytogenetic location: 19q13.2.
Variant type: single nucleotide variant.
Coding change: c.937G>A on transcript NM_017827.4 (MANE Select); coding-DNA position 937, G replaced by A.
Protein change: p.Val313Met; replaces valine 313 with methionine.
Molecular consequence: missense variant.
Genome position (GRCh38, 1-based): chr19:38,918,119, C>T on the plus strand (G>A on the coding strand, the complement: SARS2 is on the minus strand). VCF-style: chr19-38918119-C-T. GRCh37 (hg19) VCF-style: chr19-39408759-C-T.
Other names: p.Val315Met; c.943G>A, p.Val315Met (NM_001145901.2); short protein forms V313M, V315M.
Identifiers: ClinVar variation 3370077 (VCV003370077.4).